The following is an entry in ClinVar:

NM_000222.3(KIT):c.1194C>A (p.Asp398Glu)

Gene: KIT (KIT proto-oncogene, receptor tyrosine kinase; plus strand). Cytogenetic location: 4q12.
Variant type: single nucleotide variant.
Coding change: c.1194C>A on transcript NM_000222.3 (MANE Select); coding-DNA position 1194, C replaced by A.
Protein change: p.Asp398Glu; replaces aspartic acid 398 with glutamic acid.
Molecular consequence: missense variant.
Genome position (GRCh38, 1-based): chr4:54,709,502, C>A. VCF-style: chr4-54709502-C-A. GRCh37 (hg19) VCF-style: chr4-55575668-C-A.
Other names: c.1194C>A, p.Asp398Glu (NM_001093772.2, NM_001385285.1, NM_001385286.1); c.1197C>A, p.Asp399Glu (NM_001385284.1, NM_001385288.1, NM_001385290.1 and 1 more transcripts); short protein forms D398E, D399E.
Identifiers: ClinVar variation 1745592 (VCV001745592.2), dbSNP rs376940990, ClinGen allele CA356902496.

ClinVar aggregate classification (germline): Uncertain significance (1 of 4 stars; one submission).

Conditions:
Hereditary cancer-predisposing syndrome. Also called: Hereditary Cancer Syndrome; Neoplastic Syndromes, Hereditary; Tumor predisposition; Hereditary neoplastic syndrome. Identifiers: Orphanet 140162, MedGen C0027672, MeSH D009386, MONDO:0015356.

Submission:

Ambry Genetics
Classification: Uncertain significance for Hereditary cancer-predisposing syndrome. Last evaluated: 2023-12-24. Review status: criteria provided, single submitter. Criteria: Ambry Variant Classification Scheme 2023. Collection method: clinical testing. Allele origin: germline.
Comment: The p.D398E variant (also known as c.1194C>A), located in coding exon 7 of the KIT gene, results from a C to A substitution at nucleotide position 1194. The aspartic acid at codon 398 is replaced by glutamic acid, an amino acid with highly similar properties. This amino acid position is conserved. In addition, this alteration is predicted to be tolerated by in silico analysis. Since supporting evidence is limited at this time, the clinical significance of this alteration remains unclear.